The following is an entry in ClinVar:

ClinVar aggregate classification (germline): Uncertain significance (1 of 4 stars; one submission).

Conditions:
Autosomal dominant Parkinson disease 8. Also called: Parkinson disease 8, susceptibility to; LRRK2-Related Parkinson Disease; Parkinson disease 8. Identifiers: Orphanet 411602, MedGen C1846862, MONDO:0011764, OMIM 607060.

Allele frequency attached by ClinVar (database versions not stated): gnomAD 0.00001; gnomAD exomes 0.00002; TOPMed 0.00002; ExAC 0.00006; ESP Exome Variant Server 0.00008; 1000 Genomes Project 30x 0.00016; 1000 Genomes Project 0.00020.
gnomAD v4.1: 30 of 1,613,166 alleles (0.0019%); highest among the groups gnomAD compares: South Asian, 0.024%; no homozygotes.

Submission:

Labcorp Genetics (formerly Invitae), Labcorp
Classification: Uncertain significance for Autosomal dominant Parkinson disease 8. Last evaluated: 2022-08-16. Review status: criteria provided, single submitter. Criteria: Invitae Variant Classification Sherloc (09022015). Collection method: clinical testing. Allele origin: germline.
Comment: In summary, the available evidence is currently insufficient to determine the role of this variant in disease. Therefore, it has been classified as a Variant of Uncertain Significance. Advanced modeling of protein sequence and biophysical properties (such as structural, functional, and spatial information, amino acid conservation, physicochemical variation, residue mobility, and thermodynamic stability) performed at Invitae indicates that this missense variant is expected to disrupt LRRK2 protein function. This variant has not been reported in the literature in individuals affected with LRRK2-related conditions. This variant is present in population databases (rs199553529, gnomAD 0.03%). This sequence change replaces asparagine, which is neutral and polar, with serine, which is neutral and polar, at codon 1872 of the LRRK2 protein (p.Asn1872Ser).

NM_198578.4(LRRK2):c.5615A>G (p.Asn1872Ser)

Gene: LRRK2 (leucine rich repeat kinase 2; plus strand). Cytogenetic location: 12q12.
Variant type: single nucleotide variant.
Coding change: c.5615A>G on transcript NM_198578.4 (MANE Select); coding-DNA position 5615, A replaced by G.
Protein change: p.Asn1872Ser; replaces asparagine 1872 with serine.
Molecular consequence: missense variant.
Genome position (GRCh38, 1-based): chr12:40,323,265, A>G. VCF-style: chr12-40323265-A-G. GRCh37 (hg19) VCF-style: chr12-40717067-A-G.
Other names: short protein forms N1872S.
Identifiers: ClinVar variation 2171016 (VCV002171016.4), dbSNP rs199553529, ClinGen allele CA6514489.